The following is an entry in ClinVar:

ClinVar aggregate classification (germline): Conflicting classifications of pathogenicity. Review status: criteria provided, conflicting classifications (1 of 4 stars). 11 submissions from 11 submitters: Uncertain significance (5); Benign (1); Likely benign (3). 2 of the submissions do not count toward it. Last evaluated 2026-03-01.

Conditions:
SERPINF1-related disorder. Also called: SERPINF1-related condition.
Osteoporosis. Identifiers: MedGen C0029456, MONDO:0005298, OMIM 166710, HP:0000939.
Osteogenesis imperfecta type 6. Also called: Osteogenesis imperfecta, type VI. Identifiers: Orphanet 666, MedGen C3279564, MONDO:0013515, OMIM 613982.
Osteogenesis imperfecta (OI). Identifiers: Orphanet 666, MedGen C0029434, MeSH D010013, MONDO:0019019.

Allele frequency attached by ClinVar (database versions not stated): gnomAD 0.00068 and 0.00061; 1000 Genomes Project 30x 0.00031; 1000 Genomes Project 0.00040; ESP Exome Variant Server 0.00062; TOPMed 0.00067.
gnomAD v4.1: 1,057 of 1,614,230 alleles (0.065%); highest among the groups gnomAD compares: Middle Eastern, 1.3%; 14 homozygotes.

Submissions (11):

CeGaT Center for Human Genetics Tuebingen
Classification: Likely benign. Last evaluated: 2026-03-01. Review status: criteria provided, single submitter. Criteria: CeGaT Center For Human Genetics Tuebingen Variant Classification Criteria Version 2. Collection method: clinical testing. Allele origin: germline. Affected: yes. Observed: 2 variant alleles.
Comment: SERPINF1: BS1

Labcorp Genetics (formerly Invitae), Labcorp
Classification: Benign. Last evaluated: 2026-01-25. Review status: criteria provided, single submitter. Criteria: Invitae Variant Classification Sherloc (09022015). Collection method: clinical testing. Allele origin: germline.

Mayo Clinic Laboratories, Mayo Clinic
Classification: Uncertain significance. Last evaluated: 2024-02-28. Review status: criteria provided, single submitter. Criteria: ACMG Guidelines, 2015. Collection method: clinical testing. Allele origin: germline. Observed: 1 variant allele.
Comment: BS1, BS2, PP3, PS4_supporting

Women's Health and Genetics/Laboratory Corporation of America, LabCorp
Classification: Likely benign. Last evaluated: 2022-07-12. Review status: criteria provided, single submitter. Criteria: LabCorp Variant Classification Summary - May 2015. Collection method: clinical testing. Allele origin: germline.
Comment: Variant summary: SERPINF1 c.242C>G (p.Ser81Cys) results in a non-conservative amino acid change located in the Serpin domain (IPR023796) of the encoded protein sequence. Five of five in-silico tools predict a damaging effect of the variant on protein function. The variant allele was found at a frequency of 0.001 in 251414 control chromosomes, predominantly at a frequency of 0.0023 within the South Asian subpopulation in the gnomAD database, including 3 homozygotes. The observed variant frequency within South Asian control individuals in the gnomAD database is approximately 2.0 fold of the estimated maximal expected allele frequency for a pathogenic variant in SERPINF1 causing Osteogenesis Imperfecta phenotype (0.0011), strongly suggesting that the variant is a benign polymorphism found primarily in populations of South Asian origin. c.242C>G has been reported in the literature in at-least one homozygous individual within settings of multigene panel testing among cohorts reportedly affected with Osteogenesis Imperfecta (example, Essawi_2018). These report(s) do not provide unequivocal conclusions about association of the variant with Osteogenesis Imperfecta. To our knowledge, no experimental evidence demonstrating an impact on protein function has been reported. Five clinical diagnostic laboratories have submitted clinical-significance assessments for this variant to ClinVar after 2014 without evidence for independent evaluation. Multiple laboratories reported the variant with conflicting assessments (likely benign/benign, n=2; VUS, n=3). Based on the evidence outlined above, the variant was classified as likely benign.

Genome Diagnostics Laboratory, The Hospital for Sick Children
Classification: Uncertain significance for Osteogenesis imperfecta. Last evaluated: 2020-07-01. Review status: criteria provided, single submitter. Criteria: ACMG Guidelines, 2015. Collection method: clinical testing. Allele origin: germline.

Eurofins Ntd Llc (ga)
Classification: Likely benign. Last evaluated: 2018-05-22. Review status: criteria provided, single submitter. Criteria: EGL ClinVar v180209 classification definitions. Collection method: clinical testing. Allele origin: germline. Observed: 1 variant allele, 1 heterozygote.

GeneDx
Classification: Uncertain significance. Last evaluated: 2018-05-18. Review status: criteria provided, single submitter. Criteria: GeneDx Variant Classification (06012015). Collection method: clinical testing. Allele origin: germline. Affected: yes.
Comment: The S81C variant has been reported in the homozygous state in a patient with recurrent and multiple fractures but normal sclerae and teeth (Essawi et al., 2017). The S81C variant is observed in 251/277180 (0.0906%) alleles in large population cohorts, including in the apparent homozygous state in multiple apparently unaffected individuals (Lek et al., 2016). The S81C variant is a non-conservative amino acid substitution, which is likely to impact secondary protein structure as these residues differ in polarity, charge, size and/or other properties. In-silico analyses, including protein predictors and evolutionary conservation, support a deleterious effect. In summary, based on the currently available information, it is unclear whether this variant is a pathogenic variant or a rare benign variant.

Illumina Laboratory Services, Illumina
Classification: Uncertain significance for Osteogenesis imperfecta type 6. Last evaluated: 2018-01-13. Review status: criteria provided, single submitter. Criteria: ICSL Variant Classification Criteria 13 December 2019. Collection method: clinical testing. Allele origin: germline.

Genomic Diagnostic Laboratory, Division of Genomic Diagnostics, Children's Hospital of Philadelphia
Classification: Uncertain significance. Last evaluated: 2015-06-19. Review status: criteria provided, single submitter. Criteria: DGD Variant Analysis Guidelines. Collection method: clinical testing. Allele origin: unknown.

PreventionGenetics, part of Exact Sciences
Classification: Likely benign for SERPINF1-related condition. Last evaluated: 2019-06-21. Review status: no assertion criteria provided. Collection method: clinical testing. Allele origin: germline. Not counted in ClinVar's aggregate classification.
Comment: This variant is classified as likely benign based on ACMG/AMP sequence variant interpretation guidelines (Richards et al. 2015 PMID: 25741868, with internal and published modifications).

Institute of Human Genetics, University of Goettingen
Classification: Uncertain significance for Osteoporosis. Review status: no assertion criteria provided. Collection method: clinical testing. Allele origin: unknown. Inheritance: Autosomal recessive inheritance. Affected: yes. Observed: 1 compound heterozygote. Not counted in ClinVar's aggregate classification.
Comment: Phenotype not severe enough for osteogenesis imperfecta.

Literature cited by the submitters: PubMed 29150909 (cited by Mayo Clinic Laboratories, Mayo Clinic and Women's Health and Genetics/Laboratory Corporation of America, LabCorp); PubMed 30968248 (cited by Women's Health and Genetics/Laboratory Corporation of America, LabCorp).

NM_002615.7(SERPINF1):c.242C>G (p.Ser81Cys)

Genes: SERPINF1 (serpin family F member 1; plus strand), LOC130059892 (ATAC-STARR-seq lymphoblastoid active region 11457; plus strand). Cytogenetic location: 17p13.3.
Variant type: single nucleotide variant.
Coding change: c.242C>G on transcript NM_002615.7 (MANE Select); coding-DNA position 242, C replaced by G.
Protein change: p.Ser81Cys; replaces serine 81 with cysteine.
Molecular consequence: missense variant. On other transcripts: 5 prime UTR variant (1).
Genome position (GRCh38, 1-based): chr17:1,770,009, C>G. VCF-style: chr17-1770009-C-G. GRCh37 (hg19) VCF-style: chr17-1673303-C-G.
Other names: p.Ser81Cys; c.242C>G, p.Ser81Cys (NM_001329903.2); c.-320C>G (NM_001329904.2); short protein forms S81C.
Identifiers: ClinVar variation 218613 (VCV000218613.57), dbSNP rs140512665, ClinGen allele CA248888.
Genomic context (GRCh38, chr17:1,770,009, plus strand): 5'-TCGGCTATGACCTGTACCGGGTGCGATCCAGCACGAGCCCCACGACCAACGTGCTCCTGT[C>G]TCCTCTCAGTGTGGCCACGGCCCTCTCGGCCCTCTCGCTGGGTGAGTGCTCAGATGCAGG-3'
Protein context (NP_002606.3, residues 71-91): STSPTTNVLL[Ser81Cys]PLSVATALSA